The following is an entry in ClinVar:

ClinVar aggregate classification (germline): Uncertain significance (1 of 4 stars; one submission).

Conditions:
Inborn genetic diseases. Identifiers: MedGen C0950123, MeSH D030342.

Submission:

Ambry Genetics
Classification: Uncertain significance for Inborn genetic diseases. Last evaluated: 2023-01-25. Review status: criteria provided, single submitter. Criteria: Ambry Variant Classification Scheme 2023. Collection method: clinical testing. Allele origin: germline.
Comment: The c.1034A>C (p.K345T) alteration is located in exon 13 (coding exon 13) of the RPS6KA3 gene. This alteration results from a A to C substitution at nucleotide position 1034, causing the lysine (K) at amino acid position 345 to be replaced by a threonine (T). This amino acid position is highly conserved in available vertebrate species. This alteration is predicted to be tolerated by in silico analysis. Based on insufficient or conflicting evidence, the clinical significance of this alteration remains unclear.

NM_004586.3(RPS6KA3):c.1034A>C (p.Lys345Thr)

Gene: RPS6KA3 (ribosomal protein S6 kinase A3; minus strand). Cytogenetic location: Xp22.12.
Variant type: single nucleotide variant.
Coding change: c.1034A>C on transcript NM_004586.3 (MANE Select); coding-DNA position 1034, A replaced by C.
Protein change: p.Lys345Thr; replaces lysine 345 with threonine.
Molecular consequence: missense variant.
Genome position (GRCh38, 1-based): chrX:20,176,318, T>G on the plus strand (A>C on the coding strand, the complement: RPS6KA3 is on the minus strand). VCF-style: chrX-20176318-T-G. GRCh37 (hg19) VCF-style: chrX-20194436-T-G.
Other names: short protein forms K345T.
Identifiers: ClinVar variation 2478975 (VCV002478975.2), dbSNP rs2519682298, ClinGen allele CA412517907.